The following is an entry in ClinVar:

ClinVar aggregate classification (germline): Uncertain significance. Review status: criteria provided, multiple submitters, no conflicts (2 of 4 stars). 2 submissions from 2 submitters: Uncertain significance (2). Last evaluated 2024-07-18.

Conditions:
Nephronophthisis 14 (NPHP14). Identifiers: Orphanet 2318, MedGen C3539071, MONDO:0013916, OMIM 614844.

Allele frequency attached by ClinVar (database versions not stated): gnomAD 0.00003 and 0.00004; gnomAD exomes 0.00006 and 0.00007; TOPMed 0.00007; ExAC 0.00008.

Submissions (2):

Blueprint Genetics
Classification: Uncertain significance. Last evaluated: 2024-07-18. Review status: criteria provided, single submitter. Criteria: ACMG Guidelines, 2015. Collection method: clinical testing. Allele origin: germline.

Labcorp Genetics (formerly Invitae), Labcorp
Classification: Uncertain significance for Nephronophthisis 14. Last evaluated: 2022-07-12. Review status: criteria provided, single submitter. Criteria: Invitae Variant Classification Sherloc (09022015). Collection method: clinical testing. Allele origin: germline.
Comment: This sequence change replaces alanine, which is neutral and non-polar, with valine, which is neutral and non-polar, at codon 11 of the ZNF423 protein (p.Ala11Val). This variant is present in population databases (rs747031282, gnomAD 0.01%). This variant has not been reported in the literature in individuals affected with ZNF423-related conditions. ClinVar contains an entry for this variant (Variation ID: 835421). Algorithms developed to predict the effect of missense changes on protein structure and function are either unavailable or do not agree on the potential impact of this missense change (SIFT: "Deleterious"; PolyPhen-2: "Benign"; Align-GVGD: "Class C0"). In summary, the available evidence is currently insufficient to determine the role of this variant in disease. Therefore, it has been classified as a Variant of Uncertain Significance.

NM_001379286.1(ZNF423):c.56C>T (p.Ala19Val)

Gene: ZNF423 (zinc finger protein 423; minus strand). Cytogenetic location: 16q12.1.
Variant type: single nucleotide variant.
Coding change: c.56C>T on transcript NM_001379286.1 (MANE Select); coding-DNA position 56, C replaced by T.
Protein change: p.Ala19Val; replaces alanine 19 with valine.
Molecular consequence: missense variant. On other transcripts: 5 prime UTR variant (1).
Genome position (GRCh38, 1-based): chr16:49,789,531, G>A on the plus strand (C>T on the coding strand, the complement: ZNF423 is on the minus strand). VCF-style: chr16-49789531-G-A. GRCh37 (hg19) VCF-style: chr16-49823442-G-A.
Other names: c.-149C>T (NM_001271620.2); c.32C>T, p.Ala11Val (NM_015069.5); short protein forms A11V, A19V.
Identifiers: ClinVar variation 835421 (VCV000835421.8), dbSNP rs747031282, ClinGen allele CA8046984.